The following is an entry in ClinVar:

ClinVar aggregate classification (germline): Likely pathogenic (1 of 4 stars; one submission).

Conditions:
Marfan syndrome (MFS). Also called: FBN1-Related Marfan Syndrome; Marfan syndrome type 1; Marfan's syndrome; Marfan syndrome, classic; MARFAN SYNDROME, TYPE I. Identifiers: Orphanet 284963, Orphanet 558, MedGen C0024796, MONDO:0007947, OMIM 154700.

Submission:

Women's Health and Genetics/Laboratory Corporation of America, LabCorp
Classification: Likely pathogenic for Marfan Syndrome. Last evaluated: 2011-08-18. Review status: criteria provided, single submitter. Criteria: LabCorp Variant Classification Summary - May 2015. Collection method: curation. Allele origin: germline. Inheritance: autosomal unknown. Affected: yes.
ClinVar note: Converted during submission from likely pathogenic to Likely pathogenic.

NM_000138.5(FBN1):c.7229A>C (p.His2410Pro)

Gene: FBN1 (fibrillin 1; minus strand). Cytogenetic location: 15q21.1.
Variant type: single nucleotide variant.
Coding change: c.7229A>C on transcript NM_000138.5 (MANE Select); coding-DNA position 7229, A replaced by C.
Protein change: p.His2410Pro; replaces histidine 2410 with proline.
Molecular consequence: missense variant.
Genome position (GRCh38, 1-based): chr15:48,425,840, T>G on the plus strand (A>C on the coding strand, the complement: FBN1 is on the minus strand). VCF-style: chr15-48425840-T-G. GRCh37 (hg19) VCF-style: chr15-48718037-T-G.
Other names: short protein forms H2410P.
Identifiers: ClinVar variation 36112 (VCV000036112.3), dbSNP rs193922230, ClinGen allele CA017104.